The following is an entry in ClinVar:

NM_025132.4(WDR19):c.1951C>G (p.Pro651Ala)

Gene: WDR19 (WD repeat domain 19; plus strand). Cytogenetic location: 4p14.
Variant type: single nucleotide variant.
Coding change: c.1951C>G on transcript NM_025132.4 (MANE Select); coding-DNA position 1951, C replaced by G.
Protein change: p.Pro651Ala; replaces proline 651 with alanine.
Molecular consequence: missense variant.
Genome position (GRCh38, 1-based): chr4:39,228,659, C>G. VCF-style: chr4-39228659-C-G. GRCh37 (hg19) VCF-style: chr4-39230279-C-G.
Other names: c.1471C>G, p.Pro491Ala (NM_001317924.2); c.1951C>G (NM_025132.3); short protein forms P491A, P651A.
Identifiers: ClinVar variation 1471641 (VCV001471641.5), dbSNP rs2109358967, ClinGen allele CA356633275.

ClinVar aggregate classification (germline): Uncertain significance. Review status: criteria provided, multiple submitters, no conflicts (2 of 4 stars). 2 submissions from 2 submitters: Uncertain significance (2). Last evaluated 2025-08-21.

Conditions:
Asphyxiating thoracic dystrophy 5 (SRTD5). Also called: SHORT-RIB THORACIC DYSPLASIA 5 WITH OR WITHOUT POLYDACTYLY; SHORT-RIB THORACIC DYSPLASIA 5 WITHOUT POLYDACTYLY. Identifiers: Orphanet 474, MedGen C3280598, MONDO:0013717, OMIM 614376.
Senior-Loken syndrome 8 (SLSN8). Identifiers: Orphanet 3156, MedGen C4225376, MONDO:0014579, OMIM 616307.
Inborn genetic diseases. Identifiers: MedGen C0950123, MeSH D030342.

Allele frequency attached by ClinVar (database versions not stated): gnomAD exomes below 0.00001.
gnomAD v4.1: 1 of 1,605,408 alleles (0.000062%); highest among the groups gnomAD compares: Non-Finnish European, 0.000085%; no homozygotes.

Submissions (2):

Ambry Genetics
Classification: Uncertain significance for Inborn genetic diseases. Last evaluated: 2025-08-21. Review status: criteria provided, single submitter. Criteria: Ambry Variant Classification Scheme 2023. Collection method: clinical testing. Allele origin: germline.

Labcorp Genetics (formerly Invitae), Labcorp
Classification: Uncertain significance for Senior-Loken syndrome 8; Asphyxiating thoracic dystrophy 5. Last evaluated: 2021-12-09. Review status: criteria provided, single submitter. Criteria: Invitae Variant Classification Sherloc (09022015). Collection method: clinical testing. Allele origin: germline.
Comment: In summary, the available evidence is currently insufficient to determine the role of this variant in disease. Therefore, it has been classified as a Variant of Uncertain Significance. Algorithms developed to predict the effect of missense changes on protein structure and function (SIFT, PolyPhen-2, Align-GVGD) all suggest that this variant is likely to be tolerated. This variant has not been reported in the literature in individuals affected with WDR19-related conditions. This variant is not present in population databases (gnomAD no frequency). This sequence change replaces proline, which is neutral and non-polar, with alanine, which is neutral and non-polar, at codon 651 of the WDR19 protein (p.Pro651Ala).